The following is an entry in ClinVar:

ClinVar aggregate classification (germline): Uncertain significance (1 of 4 stars; one submission).

Conditions:
Gnathodiaphyseal dysplasia (GDD). Also called: GNATHODIAPHYSEAL SCLEROSIS; OSTEOGENESIS IMPERFECTA WITH UNUSUAL SKELETAL LESIONS. Identifiers: Orphanet 53697, MedGen C1833736, MONDO:0008151, OMIM 166260.
Autosomal recessive limb-girdle muscular dystrophy type 2L (LGMDR12). Also called: Limb-Girdle Muscular Dystrophy R12 Anoctamin-5-Related (LGMD-R12); Limb-girdle muscular dystrophy, type 2L; MUSCULAR DYSTROPHY, LIMB-GIRDLE, AUTOSOMAL RECESSIVE 12. Identifiers: Orphanet 206549, MedGen C1969785, MONDO:0012652, OMIM 611307.

Allele frequency attached by ClinVar (database versions not stated): gnomAD 0.00001; ESP Exome Variant Server 0.00008.
gnomAD v4.1: 12 of 1,613,924 alleles (0.00074%); highest among the groups gnomAD compares: Non-Finnish European, 0.001%; no homozygotes.

Submission:

Labcorp Genetics (formerly Invitae), Labcorp
Classification: Uncertain significance for Autosomal recessive limb-girdle muscular dystrophy type 2L; Gnathodiaphyseal dysplasia. Last evaluated: 2023-11-14. Review status: criteria provided, single submitter. Criteria: Invitae Variant Classification Sherloc (09022015). Collection method: clinical testing. Allele origin: germline.
Comment: This sequence change replaces methionine, which is neutral and non-polar, with isoleucine, which is neutral and non-polar, at codon 350 of the ANO5 protein (p.Met350Ile). This variant is present in population databases (rs373859984, gnomAD 0.002%). This variant has not been reported in the literature in individuals affected with ANO5-related conditions. ClinVar contains an entry for this variant (Variation ID: 2154312). Advanced modeling of protein sequence and biophysical properties (such as structural, functional, and spatial information, amino acid conservation, physicochemical variation, residue mobility, and thermodynamic stability) performed at Invitae indicates that this missense variant is not expected to disrupt ANO5 protein function with a negative predictive value of 95%. In summary, the available evidence is currently insufficient to determine the role of this variant in disease. Therefore, it has been classified as a Variant of Uncertain Significance.

NM_213599.3(ANO5):c.1050G>C (p.Met350Ile)

Gene: ANO5 (anoctamin 5; plus strand). Cytogenetic location: 11p14.3.
Variant type: single nucleotide variant.
Coding change: c.1050G>C on transcript NM_213599.3 (MANE Select); coding-DNA position 1050, G replaced by C.
Protein change: p.Met350Ile; replaces methionine 350 with isoleucine.
Molecular consequence: missense variant.
Genome position (GRCh38, 1-based): chr11:22,250,777, G>C. VCF-style: chr11-22250777-G-C. GRCh37 (hg19) VCF-style: chr11-22272323-G-C.
Other names: c.1047G>C, p.Met349Ile (NM_001142649.2); c.1008G>C, p.Met336Ile (NM_001410963.1); c.1005G>C, p.Met335Ile (NM_001410964.1); short protein forms M335I, M336I, M349I, M350I.
Identifiers: ClinVar variation 2154312 (VCV002154312.4), dbSNP rs373859984, ClinGen allele CA218753463.